The following is an entry in ClinVar:

NM_000059.4(BRCA2):c.6938-12_6938-10del

Gene: BRCA2 (BRCA2 DNA repair associated; plus strand). Cytogenetic location: 13q13.1.
Variant type: Deletion.
Coding change: c.6938-12_6938-10del on transcript NM_000059.4 (MANE Select); 12 bases into the intron before coding-DNA position 6938 through 10 bases into the intron before coding-DNA position 6938, 3 bases deleted (ATT; older notation c.6938-12_6938-10delATT).
Molecular consequence: intron variant.
Genome position (GRCh38, 1-based): chr13:32,346,815-32,346,817, ATT deleted. VCF-style (leftmost placement, unchanged base first): chr13-32346814-AATT-A. GRCh37 (hg19) VCF-style: chr13-32920951-AATT-A.
Other names: c.6938-12_6938-10del (NM_001432077.1, NM_001406720.1); c.6842-12_6842-10del (NM_001406719.1); c.2006-12_2006-10del (NM_001406721.1); c.521-12_521-10del (NM_001406722.1).
Identifiers: ClinVar variation 4730880 (VCV004730880.1).

ClinVar aggregate classification (germline): Uncertain significance (1 of 4 stars; one submission).

Conditions:
Hereditary breast ovarian cancer syndrome. Also called: Hereditary breast and/or ovarian cancer syndrome; Hereditary breast and ovarian cancer syndrome; Breast and ovarian cancer; Hereditary breast and ovarian cancer syndrome (HBOC); BRCA1- and BRCA2-Associated Hereditary Breast and Ovarian Cancer; Hereditary breast and ovarian cancer. Identifiers: Orphanet 145, MedGen C0677776, MeSH D061325, MONDO:0003582. Disease mechanism: loss of function.

Submission:

Labcorp Genetics (formerly Invitae), Labcorp
Classification: Uncertain significance for Hereditary breast ovarian cancer syndrome. Last evaluated: 2025-11-10. Review status: criteria provided, single submitter. Criteria: Invitae Variant Classification Sherloc (09022015). Collection method: clinical testing. Allele origin: germline.
Comment: This sequence change falls in intron 12 of the BRCA2 gene. It does not directly change the encoded amino acid sequence of the BRCA2 protein. This variant is not present in population databases (gnomAD no frequency). This variant has not been reported in the literature in individuals affected with BRCA2-related conditions. Algorithms developed to predict the effect of sequence changes on RNA splicing suggest that this variant may disrupt the consensus splice site. In summary, the available evidence is currently insufficient to determine the role of this variant in disease. Therefore, it has been classified as a Variant of Uncertain Significance.